The following is an entry in ClinVar:

ClinVar aggregate classification (germline): Benign. Review status: reviewed by expert panel (3 of 4 stars). 11 submissions from 11 submitters: Benign (1). 10 of the submissions do not count toward it. Last evaluated 2017-04-03.

Conditions:
SOS1-related disorder. Also called: SOS1-related condition.
Cardiovascular phenotype. Identifiers: MedGen CN230736.
Fibromatosis, gingival, 1 (GINGF1). Identifiers: Orphanet 2024, MedGen C4551558, MONDO:0007609, OMIM 135300.
Noonan syndrome 4 (NS4). Also called: NOONAN SYNDROME WITH PIGMENTED VILLONODULAR SYNOVITIS; SOS1-Related Noonan Syndrome. Identifiers: Orphanet 648, MedGen C1853120, MONDO:0012547, OMIM 610733.
RASopathy. Also called: rasopathies; Noonan spectrum disorder. Identifiers: Orphanet 536391, MedGen C5555857, MONDO:0021060.

Allele frequency attached by ClinVar (database versions not stated): gnomAD 0.00082 and 0.00080; TOPMed 0.00102; 1000 Genomes Project 30x 0.00109; ESP Exome Variant Server 0.00115; 1000 Genomes Project 0.00120; gnomAD exomes 0.00014; ExAC 0.00026.
gnomAD v4.1: 214 of 1,589,328 alleles (0.013%); highest among the groups gnomAD compares: African/African-American, 0.24%; no homozygotes.

Submissions (11):

ClinGen RASopathy Variant Curation Expert Panel
Classification: Benign for Noonan syndrome and Noonan-related syndrome. Last evaluated: 2017-04-03. Review status: reviewed by expert panel. Criteria: ClinGen RASopathy ACMG Specifications v1. Collection method: curation. Allele origin: germline. Inheritance: Autosomal dominant inheritance.
Comment: The filtering allele frequency of the c.73C>T (p.Pro25Ser) variant in the SOS1 gene is 0.23% for African chromosomes by the Exome Aggregation Consortium (21/6116 with 95% CI), which is a high enough frequency to be classified as benign based on thresholds defined by the ClinGen RASopathy Expert panel for autosomal dominant RASopathy variants (BA1).

Labcorp Genetics (formerly Invitae), Labcorp
Classification: Likely benign for RASopathy. Last evaluated: 2026-01-27. Review status: criteria provided, single submitter. Criteria: Invitae Variant Classification Sherloc (09022015). Collection method: clinical testing. Allele origin: germline. Not counted in ClinVar's aggregate classification.

Blueprint Genetics
Classification: Likely benign. Last evaluated: 2022-10-14. Review status: criteria provided, single submitter. Criteria: ACMG Guidelines, 2015. Collection method: clinical testing. Allele origin: germline. Not counted in ClinVar's aggregate classification.

CeGaT Center for Human Genetics Tuebingen
Classification: Benign. Last evaluated: 2022-09-01. Review status: criteria provided, single submitter. Criteria: CeGaT Center For Human Genetics Tuebingen Variant Classification Criteria Version 2. Collection method: clinical testing. Allele origin: germline. Affected: yes. Observed: 1 variant allele. Not counted in ClinVar's aggregate classification.
Comment: SOS1: BS1, BS2

Fulgent Genetics
Classification: Likely benign for Fibromatosis, gingival, 1; Noonan syndrome 4. Last evaluated: 2021-12-18. Review status: criteria provided, single submitter. Criteria: ACMG Guidelines, 2015. Collection method: clinical testing. Allele origin: unknown. Not counted in ClinVar's aggregate classification.

Ambry Genetics
Classification: Benign for Cardiovascular phenotype. Last evaluated: 2019-03-26. Review status: criteria provided, single submitter. Criteria: Ambry Variant Classification Scheme 2023. Collection method: clinical testing. Allele origin: germline. Not counted in ClinVar's aggregate classification.

Mayo Clinic Laboratories, Mayo Clinic
Classification: Benign. Last evaluated: 2019-03-05. Review status: criteria provided, single submitter. Criteria: ACMG Guidelines, 2015. Collection method: clinical testing. Allele origin: germline. Observed: 5 variant alleles. Not counted in ClinVar's aggregate classification.

GeneDx
Classification: Benign. Last evaluated: 2019-01-11. Review status: criteria provided, single submitter. Criteria: GeneDx Variant Classification Process June 2021. Collection method: clinical testing. Allele origin: germline. Affected: yes. Not counted in ClinVar's aggregate classification.

Eurofins Ntd Llc (ga)
Classification: Likely benign. Last evaluated: 2015-06-18. Review status: criteria provided, single submitter. Criteria: EGL Classification Definitions 2015. Collection method: clinical testing. Allele origin: germline. Observed: 4 variant alleles, 4 heterozygotes. Not counted in ClinVar's aggregate classification.

Laboratory for Molecular Medicine, Mass General Brigham Personalized Medicine
Classification: Likely benign. Last evaluated: 2012-03-19. Review status: criteria provided, single submitter. Criteria: LMM Criteria. Collection method: clinical testing. Allele origin: germline. Observed: 2 variant alleles. Not counted in ClinVar's aggregate classification.
Comment: p.Pro25Ser in Exon 01 of SOS1: This variant is not expected to have clinical sig nificance because it has been identified in 0.3% (12/3732) of African American c hromosomes from a broad population by the NHLBI Exome Sequencing Project (dbSNP rs139592595).

PreventionGenetics, part of Exact Sciences
Classification: Likely benign for SOS1-related condition. Last evaluated: 2019-10-07. Review status: no assertion criteria provided. Collection method: clinical testing. Allele origin: germline. Not counted in ClinVar's aggregate classification.
Comment: This variant is classified as likely benign based on ACMG/AMP sequence variant interpretation guidelines (Richards et al. 2015 PMID: 25741868, with internal and published modifications).

NM_005633.4(SOS1):c.73C>T (p.Pro25Ser)

Genes: SOS1 (SOS Ras/Rac guanine nucleotide exchange factor 1; minus strand), LOC129933535 (ATAC-STARR-seq lymphoblastoid silent region 11384; plus strand). Cytogenetic location: 2p22.1.
Variant type: single nucleotide variant.
Coding change: c.73C>T on transcript NM_005633.4 (MANE Select); coding-DNA position 73, C replaced by T.
Protein change: p.Pro25Ser; replaces proline 25 with serine.
Molecular consequence: missense variant. On other transcripts: intron variant (1).
Genome position (GRCh38, 1-based): chr2:39,120,350, G>A on the plus strand (C>T on the coding strand, the complement: SOS1 is on the minus strand). VCF-style: chr2-39120350-G-A. GRCh37 (hg19) VCF-style: chr2-39347491-G-A.
Other names: p.P25S:CCT>TCT; NM_005633.3(SOS1):c.73C>T; c.73C>T, p.Pro25Ser (NM_001382395.1); c.66+4314C>T (NM_001382394.1); short protein forms P25S.
Identifiers: ClinVar variation 40640 (VCV000040640.52), dbSNP rs139592595, ClinGen allele CA181527.
Genomic context (GRCh38, chr2:39,120,350, plus strand): 5'-CGCTGGGGGGCTGCGGCCGGGAAGCGGGGTCCCGCGTGCTCCTCACCTTTTTCAGCGCAG[G>A]CACCAGTAGTCCCCGCCACTTGGGCGCGTTCTCTTCGCTGAAAAACTCGTAGGGCAGCTG-3'
Protein context (NP_005624.2, residues 15-35): NAPKWRGLLV[Pro25Ser]ALKKVQGQVH